The following is an entry in ClinVar:

ClinVar aggregate classification (germline): Uncertain significance (1 of 4 stars; one submission).

gnomAD v4.1: 2 of 1,614,150 alleles (0.00012%); highest among the groups gnomAD compares: Non-Finnish European, 0.00017%; no homozygotes.

Submission:

Labcorp Genetics (formerly Invitae), Labcorp
Classification: Uncertain significance. Last evaluated: 2023-03-23. Review status: criteria provided, single submitter. Criteria: Invitae Variant Classification Sherloc (09022015). Collection method: clinical testing. Allele origin: germline.
Comment: This variant is not present in population databases (gnomAD no frequency). In summary, the available evidence is currently insufficient to determine the role of this variant in disease. Therefore, it has been classified as a Variant of Uncertain Significance. An algorithm developed to predict the effect of missense changes on protein structure and function (PolyPhen-2) suggests that this variant is likely to be disruptive. This variant has not been reported in the literature in individuals affected with RFWD3-related conditions. This sequence change replaces cysteine, which is neutral and slightly polar, with phenylalanine, which is neutral and non-polar, at codon 682 of the RFWD3 protein (p.Cys682Phe).

NM_018124.4(RFWD3):c.2045G>T (p.Cys682Phe)

Gene: RFWD3 (ring finger and WD repeat domain 3; minus strand). Cytogenetic location: 16q23.1.
Variant type: single nucleotide variant.
Coding change: c.2045G>T on transcript NM_018124.4 (MANE Select); coding-DNA position 2045, G replaced by T.
Protein change: p.Cys682Phe; replaces cysteine 682 with phenylalanine.
Molecular consequence: missense variant.
Genome position (GRCh38, 1-based): chr16:74,626,479, C>A on the plus strand (G>T on the coding strand, the complement: RFWD3 is on the minus strand). VCF-style: chr16-74626479-C-A. GRCh37 (hg19) VCF-style: chr16-74660377-C-A.
Other names: c.2045G>T, p.Cys682Phe (NM_001370534.1, NM_001370535.1); c.1868G>T, p.Cys623Phe (NM_001370536.1); c.1211G>T, p.Cys404Phe (NM_001370537.1, NM_001370539.1, NM_001370540.1 and 3 more transcripts); short protein forms C404F, C682F, C623F.
Identifiers: ClinVar variation 2848941 (VCV002848941.3), dbSNP rs2543922603, ClinGen allele CA396759448.